The following is an entry in ClinVar:

ClinVar aggregate classification (germline): Uncertain significance (1 of 4 stars; one submission).

Conditions:
Inborn genetic diseases. Identifiers: MedGen C0950123, MeSH D030342.

Submission:

Ambry Genetics
Classification: Uncertain significance for Inborn genetic diseases. Last evaluated: 2023-06-24. Review status: criteria provided, single submitter. Criteria: Ambry Variant Classification Scheme 2023. Collection method: clinical testing. Allele origin: germline.
Comment: The p.I2323F variant (also known as c.6967A>T), located in coding exon 41 of the ATR gene, results from an A to T substitution at nucleotide position 6967. The isoleucine at codon 2323 is replaced by phenylalanine, an amino acid with highly similar properties. This amino acid position is conserved. In addition, the in silico prediction for this alteration is inconclusive. Since supporting evidence is limited at this time, the clinical significance of this alteration remains unclear.

NM_001184.4(ATR):c.6967A>T (p.Ile2323Phe)

Gene: ATR (ATR checkpoint kinase; minus strand). Cytogenetic location: 3q23.
Variant type: single nucleotide variant.
Coding change: c.6967A>T on transcript NM_001184.4 (MANE Select); coding-DNA position 6967, A replaced by T.
Protein change: p.Ile2323Phe; replaces isoleucine 2323 with phenylalanine.
Molecular consequence: missense variant.
Genome position (GRCh38, 1-based): chr3:142,465,171, T>A on the plus strand (A>T on the coding strand, the complement: ATR is on the minus strand). VCF-style: chr3-142465171-T-A. GRCh37 (hg19) VCF-style: chr3-142184013-T-A.
Other names: c.6775A>T, p.Ile2259Phe (NM_001354579.2); short protein forms I2259F, I2323F.
Identifiers: ClinVar variation 2587551 (VCV002587551.2), dbSNP rs180819393, ClinGen allele CA354800633.
Genomic context (GRCh38, chr3:142,465,171, plus strand): 5'-AATTGAATTCCATTAGTCTACAATCCTTTCTCAGGTCATCTTTTGGCTTACACATCATGA[T>A]GTAGAACTTTCCATCTGAGCCTTTTAAAGAAATCTTCTTTGGTTTCTGAAGAGAAGCAAG-3'
Protein context (NP_001175.2, residues 2313-2333): SLKGSDGKFY[Ile2323Phe]MMCKPKDDLR